The following is an entry in ClinVar:

ClinVar aggregate classification (germline): Uncertain significance (1 of 4 stars; one submission).

Allele frequency attached by ClinVar (database versions not stated): ESP Exome Variant Server 0.00008; ExAC 0.00001; gnomAD 0.00001; gnomAD exomes 0.00002; TOPMed 0.00002.
gnomAD v4.1: 25 of 1,614,094 alleles (0.0015%); highest among the groups gnomAD compares: Non-Finnish European, 0.0021%; no homozygotes.

Submission:

Labcorp Genetics (formerly Invitae), Labcorp
Classification: Uncertain significance. Last evaluated: 2024-10-23. Review status: criteria provided, single submitter. Criteria: Invitae Variant Classification Sherloc (09022015). Collection method: clinical testing. Allele origin: germline.
Comment: This sequence change replaces serine, which is neutral and polar, with glycine, which is neutral and non-polar, at codon 197 of the CDK5RAP2 protein (p.Ser197Gly). This variant is present in population databases (rs147435272, gnomAD 0.004%). This variant has not been reported in the literature in individuals affected with CDK5RAP2-related conditions. ClinVar contains an entry for this variant (Variation ID: 2077828). An algorithm developed to predict the effect of missense changes on protein structure and function (PolyPhen-2) suggests that this variant¬†is likely to be tolerated. In summary, the available evidence is currently insufficient to determine the role of this variant in disease. Therefore, it has been classified as a Variant of Uncertain Significance.

NM_018249.6(CDK5RAP2):c.589A>G (p.Ser197Gly)

Gene: CDK5RAP2 (CDK5 regulatory subunit associated protein 2; minus strand). Cytogenetic location: 9q33.2.
Variant type: single nucleotide variant.
Coding change: c.589A>G on transcript NM_018249.6 (MANE Select); coding-DNA position 589, A replaced by G.
Protein change: p.Ser197Gly; replaces serine 197 with glycine.
Molecular consequence: missense variant. On other transcripts: non-coding transcript variant (5).
Genome position (GRCh38, 1-based): chr9:120,536,445, T>C on the plus strand (A>G on the coding strand, the complement: CDK5RAP2 is on the minus strand). VCF-style: chr9-120536445-T-C. GRCh37 (hg19) VCF-style: chr9-123298723-T-C.
Other names: c.589A>G, p.Ser197Gly (NM_001011649.3, NM_001272039.2, NM_001410992.1 and 2 more transcripts); short protein forms S197G.
Identifiers: ClinVar variation 2077828 (VCV002077828.3), dbSNP rs147435272, ClinGen allele CA5214667.